The following is an entry in ClinVar:

NM_032603.5(LOXL3):c.1001G>A (p.Arg334His)

Gene: LOXL3 (lysyl oxidase like 3; minus strand). Cytogenetic location: 2p13.1.
Variant type: single nucleotide variant.
Coding change: c.1001G>A on transcript NM_032603.5 (MANE Select); coding-DNA position 1001, G replaced by A.
Protein change: p.Arg334His; replaces arginine 334 with histidine.
Molecular consequence: missense variant. On other transcripts: 5 prime UTR variant (1).
Genome position (GRCh38, 1-based): chr2:74,536,383, C>T on the plus strand (G>A on the coding strand, the complement: LOXL3 is on the minus strand). VCF-style: chr2-74536383-C-T. GRCh37 (hg19) VCF-style: chr2-74763510-C-T.
Other names: c.566G>A, p.Arg189His (NM_001289164.3); c.-83G>A (NM_001289165.2); c.1001G>A (NM_032603.2); short protein forms R189H, R334H.
Identifiers: ClinVar variation 1443672 (VCV001443672.4), dbSNP rs138480120, ClinGen allele CA1729010.

ClinVar aggregate classification (germline): Uncertain significance. Review status: criteria provided, multiple submitters, no conflicts (2 of 4 stars). 2 submissions from 2 submitters: Uncertain significance (2). Last evaluated 2024-09-11.

Allele frequency attached by ClinVar (database versions not stated): ExAC 0.00001; gnomAD 0.00001; gnomAD exomes 0.00001; TOPMed 0.00002; ESP Exome Variant Server 0.00015.
gnomAD v4.1: 11 of 1,614,056 alleles (0.00068%); highest among the groups gnomAD compares: East Asian, 0.0022%; no homozygotes.

Submissions (2):

Ambry Genetics
Classification: Uncertain significance. Last evaluated: 2024-09-11. Review status: criteria provided, single submitter. Criteria: Ambry Variant Classification Scheme 2023. Collection method: clinical testing. Allele origin: germline.

Labcorp Genetics (formerly Invitae), Labcorp
Classification: Uncertain significance. Last evaluated: 2022-10-25. Review status: criteria provided, single submitter. Criteria: Invitae Variant Classification Sherloc (09022015). Collection method: clinical testing. Allele origin: germline.
Comment: This sequence change replaces arginine, which is basic and polar, with histidine, which is basic and polar, at codon 334 of the LOXL3 protein (p.Arg334His). This variant is present in population databases (rs138480120, gnomAD 0.006%). This variant has not been reported in the literature in individuals affected with LOXL3-related conditions. ClinVar contains an entry for this variant (Variation ID: 1443672). Algorithms developed to predict the effect of missense changes on protein structure and function output the following: SIFT: "Tolerated"; PolyPhen-2: "Benign"; Align-GVGD: "Class C0". The histidine amino acid residue is found in multiple mammalian species, which suggests that this missense change does not adversely affect protein function. In summary, the available evidence is currently insufficient to determine the role of this variant in disease. Therefore, it has been classified as a Variant of Uncertain Significance.